The following is an entry in ClinVar:

NM_004006.3(DMD):c.806A>G (p.His269Arg)

Gene: DMD (dystrophin; minus strand). Cytogenetic location: Xp21.1.
Variant type: single nucleotide variant.
Coding change: c.806A>G on transcript NM_004006.3 (MANE Select); coding-DNA position 806, A replaced by G.
Protein change: p.His269Arg; replaces histidine 269 with arginine.
Molecular consequence: missense variant.
Genome position (GRCh38, 1-based): chrX:32,699,137, T>C on the plus strand (A>G on the coding strand, the complement: DMD is on the minus strand). VCF-style: chrX-32699137-T-C. GRCh37 (hg19) VCF-style: chrX-32717254-T-C.
Other names: c.782A>G, p.His261Arg (NM_000109.4); c.794A>G, p.His265Arg (NM_004009.3); c.437A>G, p.His146Arg (NM_004010.3); short protein forms H261R, H269R, H146R, H265R.
Identifiers: ClinVar variation 3634869 (VCV003634869.2).
Genomic context (GRCh38, chrX:32,699,137, plus strand): 5'-CATCTTGAATAGTAGCTGTCCTTTACACACTTTACCTGTTGAGAATAGTGCATTTGATGA[T>C]GTAACTGAAAATGTTCTTCTTTAGTCACTTTAGGTGGCCTTGGCAACATTTCCACTTCCT-3'
Protein context (NP_003997.2, residues 259-279): KVTKEEHFQL[His269Arg]HQMHYSQQIT

ClinVar aggregate classification (germline): Uncertain significance (1 of 4 stars; one submission).

Conditions:
Duchenne muscular dystrophy (DMD). Also called: MUSCULAR DYSTROPHY, PSEUDOHYPERTROPHIC PROGRESSIVE, DUCHENNE TYPE; Duchenne Muscular Dystrophy (DMD). Identifiers: Orphanet 98896, MedGen C0013264, MONDO:0010679, OMIM 310200.

Submission:

Labcorp Genetics (formerly Invitae), Labcorp
Classification: Uncertain significance for Duchenne muscular dystrophy. Last evaluated: 2024-11-24. Review status: criteria provided, single submitter. Criteria: Invitae Variant Classification Sherloc (09022015). Collection method: clinical testing. Allele origin: germline.
Comment: This sequence change replaces histidine, which is basic and polar, with arginine, which is basic and polar, at codon 269 of the DMD protein (p.His269Arg). This variant is not present in population databases (gnomAD no frequency). This variant has not been reported in the literature in individuals affected with DMD-related conditions. Invitae Evidence Modeling of protein sequence and biophysical properties (such as structural, functional, and spatial information, amino acid conservation, physicochemical variation, residue mobility, and thermodynamic stability) indicates that this missense variant is not expected to disrupt DMD protein function with a negative predictive value of 95%. In summary, the available evidence is currently insufficient to determine the role of this variant in disease. Therefore, it has been classified as a Variant of Uncertain Significance.